The following is an entry in ClinVar:

NM_015909.4(NBAS):c.3237_3238insGG (p.Thr1080fs)

Gene: NBAS (NBAS subunit of NRZ tethering complex; minus strand). Cytogenetic location: 2p24.3.
Variant type: Insertion.
Coding change: c.3237_3238insGG on transcript NM_015909.4 (MANE Select); coding-DNA positions 3237 to 3238, GG inserted.
Protein change: p.Thr1080fs; shifts the reading frame from threonine 1080.
Molecular consequence: frameshift variant. On other transcripts: non-coding transcript variant (1).
Genome position: GRCh38 VCF-style: chr2-15394246-T-TCC. GRCh37 (hg19) VCF-style: chr2-15534370-T-TCC.
Other names: short protein forms T1080fs.
Identifiers: ClinVar variation 1973796 (VCV001973796.5), dbSNP rs2528862231, ClinGen allele CA2580063627.

ClinVar aggregate classification (germline): Pathogenic (1 of 4 stars; one submission).

Submission:

Labcorp Genetics (formerly Invitae), Labcorp
Classification: Pathogenic. Last evaluated: 2022-08-21. Review status: criteria provided, single submitter. Criteria: Invitae Variant Classification Sherloc (09022015). Collection method: clinical testing. Allele origin: germline.
Comment: This sequence change creates a premature translational stop signal (p.Thr1080Glyfs*25) in the NBAS gene. It is expected to result in an absent or disrupted protein product. Loss-of-function variants in NBAS are known to be pathogenic (PMID: 26073778, 26541327, 27789416, 28031453). This variant is not present in population databases (gnomAD no frequency). This variant has not been reported in the literature in individuals affected with NBAS-related conditions. For these reasons, this variant has been classified as Pathogenic.

Literature cited by the submitters: PubMed 26073778; PubMed 26541327; PubMed 27789416; PubMed 28031453.